The following is an entry in ClinVar:

ClinVar aggregate classification (germline): Uncertain significance (1 of 4 stars; one submission).

gnomAD v4.1: 18 of 1,595,566 alleles (0.0011%); highest among the groups gnomAD compares: African/African-American, 0.004%; no homozygotes.

Submission:

Labcorp Genetics (formerly Invitae), Labcorp
Classification: Uncertain significance. Last evaluated: 2024-12-16. Review status: criteria provided, single submitter. Criteria: Invitae Variant Classification Sherloc (09022015). Collection method: clinical testing. Allele origin: germline.
Comment: This sequence change replaces valine, which is neutral and non-polar, with leucine, which is neutral and non-polar, at codon 218 of the TOP1MT protein (p.Val218Leu). This variant is present in population databases (rs139942348, gnomAD 0.007%). This variant has not been reported in the literature in individuals affected with TOP1MT-related conditions. Invitae Evidence Modeling of protein sequence and biophysical properties (such as structural, functional, and spatial information, amino acid conservation, physicochemical variation, residue mobility, and thermodynamic stability) indicates that this missense variant is not expected to disrupt TOP1MT protein function with a negative predictive value of 80%. In summary, the available evidence is currently insufficient to determine the role of this variant in disease. Therefore, it has been classified as a Variant of Uncertain Significance.

NM_052963.3(TOP1MT):c.652G>C (p.Val218Leu)

Gene: TOP1MT (DNA topoisomerase I mitochondrial; minus strand). Cytogenetic location: 8q24.3.
Variant type: single nucleotide variant.
Coding change: c.652G>C on transcript NM_052963.3 (MANE Select); coding-DNA position 652, G replaced by C.
Protein change: p.Val218Leu; replaces valine 218 with leucine.
Molecular consequence: missense variant.
Genome position (GRCh38, 1-based): chr8:143,325,365, C>G on the plus strand (G>C on the coding strand, the complement: TOP1MT is on the minus strand). VCF-style: chr8-143325365-C-G. GRCh37 (hg19) VCF-style: chr8-144407535-C-G.
Other names: c.358G>C, p.Val120Leu (NM_001258446.1, NM_001258447.1); short protein forms V120L, V218L.
Identifiers: ClinVar variation 3715045 (VCV003715045.2).